The following is an entry in ClinVar:

NM_002691.4(POLD1):c.611A>C (p.His204Pro)

Gene: POLD1 (DNA polymerase delta 1, catalytic subunit; plus strand). Cytogenetic location: 19q13.33.
Variant type: single nucleotide variant.
Coding change: c.611A>C on transcript NM_002691.4 (MANE Select); coding-DNA position 611, A replaced by C.
Protein change: p.His204Pro; replaces histidine 204 with proline.
Molecular consequence: missense variant. On other transcripts: non-coding transcript variant (1).
Genome position (GRCh38, 1-based): chr19:50,402,226, A>C. VCF-style: chr19-50402226-A-C. GRCh37 (hg19) VCF-style: chr19-50905483-A-C.
Other names: c.611A>C, p.His204Pro (NM_001256849.1, NM_001308632.1); short protein forms H204P.
Identifiers: ClinVar variation 1491977 (VCV001491977.10), dbSNP rs1568619926, ClinGen allele CA406973872.

ClinVar aggregate classification (germline): Uncertain significance. Review status: criteria provided, multiple submitters, no conflicts (2 of 4 stars). 2 submissions from 2 submitters: Uncertain significance (2). Last evaluated 2024-02-13.

Conditions:
POLD1-related polyposis and colorectal cancer syndrome (CRCS10). Also called: Colorectal cancer 10; COLORECTAL CANCER, SUSCEPTIBILITY TO, ON CHROMOSOME 19q; Colorectal cancer, susceptibility to, 10. Identifiers: Orphanet 220460, MedGen C2675481, MONDO:0012953, OMIM 612591.
Hereditary cancer-predisposing syndrome. Also called: Neoplastic Syndromes, Hereditary; Tumor predisposition; Hereditary Cancer Syndrome; Hereditary neoplastic syndrome. Identifiers: Orphanet 140162, MedGen C0027672, MeSH D009386, MONDO:0015356.

Submissions (2):

Labcorp Genetics (formerly Invitae), Labcorp
Classification: Uncertain significance for POLD1-related polyposis and colorectal cancer syndrome. Last evaluated: 2024-02-13. Review status: criteria provided, single submitter. Criteria: Invitae Variant Classification Sherloc (09022015). Collection method: clinical testing. Allele origin: germline.
Comment: This sequence change replaces histidine, which is basic and polar, with proline, which is neutral and non-polar, at codon 204 of the POLD1 protein (p.His204Pro). This variant is not present in population databases (gnomAD no frequency). This variant has not been reported in the literature in individuals affected with POLD1-related conditions. ClinVar contains an entry for this variant (Variation ID: 1491977). Advanced modeling of protein sequence and biophysical properties (such as structural, functional, and spatial information, amino acid conservation, physicochemical variation, residue mobility, and thermodynamic stability) performed at Invitae indicates that this missense variant is not expected to disrupt POLD1 protein function with a negative predictive value of 80%. In summary, the available evidence is currently insufficient to determine the role of this variant in disease. Therefore, it has been classified as a Variant of Uncertain Significance.

Ambry Genetics
Classification: Uncertain significance for Hereditary cancer-predisposing syndrome. Last evaluated: 2021-09-30. Review status: criteria provided, single submitter. Criteria: Ambry Variant Classification Scheme 2023. Collection method: clinical testing. Allele origin: germline.
Comment: The p.H204P variant (also known as c.611A>C), located in coding exon 5 of the POLD1 gene, results from an A to C substitution at nucleotide position 611. The histidine at codon 204 is replaced by proline, an amino acid with similar properties. This amino acid position is conserved. In addition, this alteration is predicted to be tolerated by in silico analysis. Since supporting evidence is limited at this time, the clinical significance of this alteration remains unclear.